The following is an entry in ClinVar:

ClinVar aggregate classification (germline): Likely pathogenic. Review status: criteria provided, multiple submitters, no conflicts (2 of 4 stars). 2 submissions from 2 submitters: Likely pathogenic (2). Last evaluated 2026-02-23.

Conditions:
Alport syndrome. Also called: Hemorrhagic familial nephritis; Hemorrhagic hereditary nephritis; Congenital hereditary hematuria. Identifiers: Orphanet 63, MedGen C1567741, MONDO:0018965.
Autosomal dominant Alport syndrome (ATS3A). Also called: Alport syndrome dominant type; Renal failure and sensorineural hearing loss; ALPORT SYNDROME 3A, AUTOSOMAL DOMINANT. Identifiers: Orphanet 63, Orphanet 88918, MedGen C5882663, MONDO:0007086, OMIM 104200.

Submissions (2):

Myriad Genetics, Inc.
Classification: Likely pathogenic for Alport syndrome. Last evaluated: 2026-02-23. Review status: criteria provided, single submitter. Criteria: Myriad Autosomal Dominant, Autosomal Recessive and X-Linked Classification Criteria (2023). Collection method: clinical testing. Allele origin: unknown.
Comment: NM_000091.4(COL4A3):c.697G>A(G233R) is a missense variant classified as likely pathogenic in the context of Alport syndrome, COL4A3-related. G233R has been observed in cases with relevant disease (PMID: 36292665, 34215756). Relevant functional assessments of this variant are not available in the literature. Internal structural analysis of the variant is supportive of pathogenicity. G233R has not been observed in referenced population frequency databases. In summary, NM_000091.4(COL4A3):c.697G>A(G233R) is a missense variant that has internal structural support for pathogenicity and has been observed more frequently in cases with the relevant disease than in healthy populations. Please note: this variant was assessed in the context of healthy population screening.

Precision Medicine Center, Zhengzhou University
Classification: Likely pathogenic for Autosomal dominant Alport syndrome. Review status: criteria provided, single submitter. Criteria: ACMG Guidelines, 2015. Collection method: research. Allele origin: germline. Affected: yes.
Comment: PM1:Located in a mutational hot spot PM2:not found in gnomAD PM5:Novel missense change at an amino acid residue where a different missense change determined to be pathogenic has been seen before PP3:Multiple lines of computational evidence support a deleterious effect on the gene or gene product

Literature cited by the submitters: PubMed 34215756 (cited by Myriad Genetics, Inc.); PubMed 36292665 (cited by Myriad Genetics, Inc.).

NM_000091.5(COL4A3):c.697G>A (p.Gly233Arg)

Genes: MFF-DT (MFF divergent transcript; minus strand), COL4A3 (collagen type IV alpha 3 chain; plus strand). Cytogenetic location: 2q36.3.
Variant type: single nucleotide variant.
Coding change: c.697G>A on transcript NM_000091.5 (MANE Select); coding-DNA position 697, G replaced by A.
Protein change: p.Gly233Arg; replaces glycine 233 with arginine.
Molecular consequence: missense variant.
Genome position (GRCh38, 1-based): chr2:227,253,570, G>A. VCF-style: chr2-227253570-G-A. GRCh37 (hg19) VCF-style: chr2-228118286-G-A.
Other names: short protein forms G233R.
Identifiers: ClinVar variation 1077061 (VCV001077061.2), dbSNP rs2125932350, ClinGen allele CA350864893.